The following is an entry in ClinVar:

ClinVar aggregate classification (germline): Uncertain significance (1 of 4 stars; one submission).

Conditions:
Long QT syndrome 1 (LQT1). Identifiers: Orphanet 101016, Orphanet 768, MedGen C4551647, MONDO:0100316, OMIM 192500, MONDO:0008646.

Submission:

Institute of Medical Genetics and Applied Genomics, University Hospital Tübingen
Classification: Uncertain significance for Long QT syndrome 1. Last evaluated: 2026-07-30. Review status: criteria provided, single submitter. Criteria: ACMG Guidelines, 2015. Collection method: clinical testing. Allele origin: germline. Inheritance: Autosomal dominant inheritance. Affected: yes.
Comment: Deletion includes part of intron 1 of transcript variant 1 (NM_000218.3) and exon 1 of transcript variant 2 (NM_181798.2)

GRCh38/hg38 11p15.5(chr11:2460202-2463969)x1

Genes: KCNQ1 (potassium voltage-gated channel subfamily Q member 1; plus strand), LOC124418416 (Sharpr-MPRA regulatory region 11059; plus strand). Cytogenetic location: 11p15.5.
Variant type: copy number loss.
Change: copy number 1 (one copy instead of two) of chr11:2,460,202-2,463,969 (3.8 kb, GRCh38 coordinates, 1-based), cytogenetic band 11p15.5.
Identifiers: ClinVar variation 4879346 (VCV004879346.1).